The following is an entry in ClinVar:

NM_001267550.2(TTN):c.63507_63508delAG (p.Glu21170fs)

Genes: TTN (titin; minus strand), TTN-AS1 (TTN antisense RNA 1; plus strand). Cytogenetic location: 2q31.2.
Variant type: Deletion.
Coding change: c.63507_63508delAG on transcript NM_001267550.2 (MANE Select); coding-DNA positions 63507 to 63508, 2 bases deleted (AG).
Protein change: p.Glu21170fs; shifts the reading frame from glutamic acid 21170.
Molecular consequence: frameshift variant.
Genome position (GRCh38, 1-based): chr2:178,587,899-178,587,900, CT deleted on the plus strand (AG on the coding strand, the reverse complement: TTN is on the minus strand). VCF-style (leftmost placement, unchanged base first): chr2-178587898-CCT-C. GRCh37 (hg19) VCF-style: chr2-179452625-CCT-C.
Other names: c.58584_58585delAG, p.Glu19529fs (NM_001256850.1); c.36312_36313delAG, p.Glu12105fs (NM_003319.4); c.55803_55804delAG, p.Glu18602fs (NM_133378.4); c.36687_36688delAG, p.Glu12230fs (NM_133432.3); c.36888_36889delAG, p.Glu12297fs (NM_133437.4); short protein forms E12105fs, E12230fs, E12297fs, E18602fs, E19529fs, E21170fs.
Identifiers: ClinVar variation 4866205 (VCV004866205.1).

ClinVar aggregate classification (germline): Uncertain significance (1 of 4 stars; one submission).

Conditions:
Cardiovascular phenotype. Identifiers: MedGen CN230736.

Submission:

Ambry Genetics
Classification: Uncertain significance for Cardiovascular phenotype. Last evaluated: 2026-05-06. Review status: criteria provided, single submitter. Criteria: Ambry Variant Classification Scheme 2023. Collection method: clinical testing. Allele origin: germline.
Comment: The c.36312_36313delAG variant, located in coding exon 132 of the TTN gene, results from a deletion of two nucleotides at nucleotide positions 36312 to 36313, causing a translational frameshift with a predicted alternate stop codon (p.E12105Tfs*5). This exon is located in the A-band region of the N2-B isoform of the titin protein and is constitutively expressed in TTN transcripts (percent spliced in or PSI 100%). Loss-of-function variants are expected to result in loss of function by premature protein truncation or nonsense-mediated mRNA decay. However, in silico splice site analysis predicts that this alteration will weaken the native splice donor site and will result in the creation or strengthening of a novel splice donor site. The exact functional effect of this variant is unknown. Based on the available evidence, the clinical significance of this variant remains unclear.